The following is an entry in ClinVar:

ClinVar aggregate classification (germline): Likely pathogenic (1 of 4 stars; one submission).

Conditions:
Glutaric acidemia type 2A.

Submission:

Natera, Inc.
Classification: Likely pathogenic for Glutaric acidemia type 2A. Last evaluated: 2025-11-26. Review status: criteria provided, single submitter. Criteria: Natera Variant Classification Schema (03/2026). Collection method: clinical testing. Allele origin: germline.
Comment: The c.-64_39+1del variant in ETFA is predicted to result in start loss due to disruption of the initiator methionine. This variant is expected to result in nonsense mediated decay, truncation, or a dysfunctional protein product. This variant is rare in the general population with a frequency below the threshold expected for the associated phenotype(s). Given the available evidence, this variant is classified as Likely Pathogenic.

NM_000126.4(ETFA):c.-64_39+1del

Gene: ETFA (electron transfer flavoprotein subunit alpha; minus strand). Cytogenetic location: 15q24.3.
Variant type: Deletion.
Coding change: c.-64_39+1del on transcript NM_000126.4 (MANE Select); 64 bases upstream of the start codon through the canonical splice donor site of the intron after coding-DNA position 39, 104 bases deleted.
Molecular consequence: splice donor variant, initiator codon variant.
Genome position (GRCh38, 1-based): chr15:76,311,349-76,311,452, 104 bases deleted. GRCh37 (hg19): chr15:76,603,690-76,603,793.
Other names: c.-64_39+1del (NM_001127716.2).
Identifiers: ClinVar variation 4817469 (VCV004817469.1).